The following is an entry in ClinVar:

NM_000252.3(MTM1):c.1558C>T (p.Arg520Ter)

Gene: MTM1 (myotubularin 1; plus strand). Cytogenetic location: Xq28.
Variant type: single nucleotide variant.
Coding change: c.1558C>T on transcript NM_000252.3 (MANE Select); coding-DNA position 1558, C replaced by T.
Protein change: p.Arg520Ter; replaces arginine 520 with a stop codon.
Molecular consequence: nonsense.
Genome position (GRCh38, 1-based): chrX:150,663,523, C>T. VCF-style: chrX-150663523-C-T. GRCh37 (hg19) VCF-style: chrX-149831996-C-T.
Other names: c.1558C>T, p.Arg520Ter (NM_001376906.1, NM_001376908.1); c.1447C>T, p.Arg483Ter (NM_001376907.1); short protein forms R520*, R483*.
Identifiers: ClinVar variation 158950 (VCV000158950.13), dbSNP rs587783805, ClinGen allele CA271843.

ClinVar aggregate classification (germline): Pathogenic. Review status: criteria provided, multiple submitters, no conflicts (2 of 4 stars). 5 submissions from 5 submitters: Pathogenic (5). Last evaluated 2025-02-01.

Conditions:
Severe X-linked myotubular myopathy (CNMX). Also called: MYOTUBULAR MYOPATHY 1; X-linked centronuclear myopathy; Myotubular myopathy, X-linked. Identifiers: Orphanet 596, MedGen C0410203, MONDO:0010683, OMIM 310400.

Submissions (5):

GeneDx
Classification: Pathogenic. Last evaluated: 2025-02-01. Review status: criteria provided, single submitter. Criteria: GeneDx Variant Classification Process June 2021. Collection method: clinical testing. Allele origin: germline. Affected: yes.
Comment: Nonsense variant predicted to result in protein truncation or nonsense mediated decay in a gene for which loss of function is a known mechanism of disease; Not observed at significant frequency in large population cohorts (gnomAD); This variant is associated with the following publications: (PMID: 34011573, 25525159, 27017278, 22968136, 38136996, 26338224, Woo2022[CaseReport], 25214167, 10790201)

Labcorp Genetics (formerly Invitae), Labcorp
Classification: Pathogenic for Severe X-linked myotubular myopathy. Last evaluated: 2025-01-20. Review status: criteria provided, single submitter. Criteria: Invitae Variant Classification Sherloc (09022015). Collection method: clinical testing. Allele origin: germline.
Comment: This sequence change creates a premature translational stop signal (p.Arg520*) in the MTM1 gene. It is expected to result in an absent or disrupted protein product. Loss-of-function variants in MTM1 are known to be pathogenic (PMID: 9305655, 10063835). This variant is not present in population databases (gnomAD no frequency). This premature translational stop signal has been observed in individual(s) with MTM1-related conditions (PMID: 10790201, 25214167, 34011573, 38544359). ClinVar contains an entry for this variant (Variation ID: 158950). Algorithms developed to predict the effect of sequence changes on RNA splicing suggest that this variant may disrupt the consensus splice site. For these reasons, this variant has been classified as Pathogenic.

Revvity Omics, Revvity
Classification: Pathogenic. Last evaluated: 2019-03-01. Review status: criteria provided, single submitter. Criteria: ACMG Guidelines, 2015. Collection method: clinical testing. Allele origin: germline.

Molecular Diagnostics Laboratory, M Health Fairview: University of Minnesota
Classification: Pathogenic for Severe X-linked myotubular myopathy. Last evaluated: 2017-01-05. Review status: criteria provided, single submitter. Criteria: ACMG Guidelines, 2015. Collection method: clinical testing. Allele origin: germline. Affected: yes. Observed: 1 variant allele.

Genetic Services Laboratory, University of Chicago
Classification: Pathogenic for Myotubular myopathy, X-linked. Last evaluated: 2013-02-08. Review status: criteria provided, single submitter. Criteria: ACMG Guidelines, 2007. Collection method: clinical testing. Allele origin: germline. Inheritance: X-linked inheritance. Affected: yes.

Literature cited by the submitters: PubMed 9305655 (cited by Labcorp Genetics (formerly Invitae), Labcorp); PubMed 10063835 (cited by Labcorp Genetics (formerly Invitae), Labcorp); PubMed 10790201 (cited by Labcorp Genetics (formerly Invitae), Labcorp); PubMed 25214167 (cited by Labcorp Genetics (formerly Invitae), Labcorp); PubMed 34011573 (cited by Labcorp Genetics (formerly Invitae), Labcorp); PubMed 38544359 (cited by Labcorp Genetics (formerly Invitae), Labcorp).